The following is an entry in ClinVar:

ClinVar aggregate classification (germline): Likely pathogenic. Review status: criteria provided, multiple submitters, no conflicts (2 of 4 stars). 3 submissions from 3 submitters: Likely pathogenic (3). Last evaluated 2020-03-31.

Conditions:
Neurodegeneration with brain iron accumulation 4 (NBIA4). Also called: MITOCHONDRIAL PROTEIN-ASSOCIATED NEURODEGENERATION. Identifiers: Orphanet 289560, MedGen C3280371, MONDO:0013674, OMIM 614298. Disease mechanism: loss of function.
Intellectual disability. Also called: Intellectual functioning disability; intellectual disabilities; Intellectual developmental disorder. Identifiers: MedGen C3714756, MeSH D008607, MONDO:0001071, HP:0001249.
Global developmental delay (DD). Also called: Cognitive delay. Identifiers: MedGen C0557874, HP:0001263. Disease mechanism: loss of function.

Allele frequency attached by ClinVar (database versions not stated): TOPMed 0.00001.
gnomAD v4.1: 20 of 1,614,126 alleles (0.0012%); highest among the groups gnomAD compares: East Asian, 0.0022%; no homozygotes.

Submissions (3):

Suna and Inan Kirac Foundation Neurodegeneration Research Laboratory, Koc University
Classification: Likely pathogenic for Neurodegeneration with brain iron accumulation 4. Last evaluated: 2020-03-31. Review status: criteria provided, single submitter. Criteria: ACMG Guidelines, 2015. Collection method: research. Allele origin: germline. Affected: yes. Observed: 2 variant alleles.

GeneDx
Classification: Likely pathogenic. Last evaluated: 2018-10-01. Review status: criteria provided, single submitter. Criteria: GeneDx Variant Classification (06012015). Collection method: clinical testing. Allele origin: germline. Affected: yes.
Comment: The c.194 G>T variant in the C19orf12 gene has been previously reported in the homozygous state, and in the presence of a loss of function C19orf12 variant, in two unrelated sets of affected siblings with mitochondrial membrane protein-associated neurodegeneration (MPAN) (Hogarth et al., 2013; Yoganathan et al., 2016). This variant is not observed at a significant frequency in large population cohorts (Lek et al., 2016). In-silico splice prediction models predict that c.194 G>T may weaken the natural splice acceptor site for intron 2. However, in the absence of RNA/functional studies, the effect of the c.194 G>T change in this individual is unknown. If c.194 G>T does not alter splicing, it will result in the G65V missense change. The G65V variant is a conservative amino acid substitution, which is not likely to impact secondary protein structure as these residues share similar properties. This substitution occurs at a position within a transmembrane domain that is conserved across species, and in silico analysis predicts this variant is probably damaging to the protein structure/function. We interpret the c.194 G>T variant as a likely pathogenic variant.

Lupski Lab, Baylor-Hopkins CMG, Baylor College of Medicine
Classification: Likely pathogenic for Global developmental delay; Intellectual disability. Review status: criteria provided, single submitter. Criteria: Karaca et al. (Neuron 2015). Collection method: research. Allele origin: inherited. Inheritance: Autosomal recessive inheritance. Affected: yes.

NM_031448.6(C19orf12):c.161G>T (p.Gly54Val)

Gene: C19orf12 (chromosome 19 open reading frame 12; minus strand). Cytogenetic location: 19q12.
Variant type: single nucleotide variant.
Coding change: c.161G>T on transcript NM_031448.6 (MANE Select); coding-DNA position 161, G replaced by T.
Protein change: p.Gly54Val; replaces glycine 54 with valine.
Molecular consequence: missense variant. On other transcripts: 5 prime UTR variant (3).
Genome position (GRCh38, 1-based): chr19:29,702,977, C>A on the plus strand (G>T on the coding strand, the complement: C19orf12 is on the minus strand). VCF-style: chr19-29702977-C-A. GRCh37 (hg19) VCF-style: chr19-30193884-C-A.
Other names: c.161G>T, p.Gly54Val (NM_001031726.4, NM_001256046.3, NM_001256047.2); c.-32G>T (NM_001282929.1, NM_001282930.3, NM_001282931.3); short protein forms G54V, G65V.
Identifiers: ClinVar variation 402183 (VCV000402183.3), dbSNP rs752450983, ClinGen allele CA9351930.